The following is an entry in ClinVar:

ClinVar aggregate classification (germline): Uncertain significance (1 of 4 stars; one submission).

Conditions:
Hereditary cancer-predisposing syndrome. Also called: Neoplastic Syndromes, Hereditary; Tumor predisposition; Hereditary neoplastic syndrome; Hereditary Cancer Syndrome. Identifiers: Orphanet 140162, MedGen C0027672, MeSH D009386, MONDO:0015356.

Submission:

Ambry Genetics
Classification: Uncertain significance for Hereditary cancer-predisposing syndrome. Last evaluated: 2026-07-06. Review status: criteria provided, single submitter. Criteria: Ambry Variant Classification Scheme 2023. Collection method: clinical testing. Allele origin: germline.
Comment: The p.G212R variant (also known as c.634G>A), located in coding exon 3 of the PHOX2B gene, results from a G to A substitution at nucleotide position 634. The glycine at codon 212 is replaced by arginine, an amino acid with dissimilar properties. This amino acid position is conserved. In addition, this alteration is predicted to be tolerated by in silico analysis. Based on the available evidence, the clinical significance of this variant remains unclear.

NM_003924.4(PHOX2B):c.634G>A (p.Gly212Arg)

Gene: PHOX2B (paired like homeobox 2B; minus strand). Cytogenetic location: 4p13.
Variant type: single nucleotide variant.
Coding change: c.634G>A on transcript NM_003924.4 (MANE Select); coding-DNA position 634, G replaced by A.
Protein change: p.Gly212Arg; replaces glycine 212 with arginine.
Molecular consequence: missense variant.
Genome position (GRCh38, 1-based): chr4:41,746,118, C>T on the plus strand (G>A on the coding strand, the complement: PHOX2B is on the minus strand). VCF-style: chr4-41746118-C-T. GRCh37 (hg19) VCF-style: chr4-41748135-C-T.
Other names: short protein forms G212R.
Identifiers: ClinVar variation 5026542 (VCV005026542.1).